The following is an entry in ClinVar:

NM_017612.5(ZCCHC8):c.1175C>G (p.Ala392Gly)

Gene: ZCCHC8 (zinc finger CCHC-type containing 8; minus strand). Cytogenetic location: 12q24.31.
Variant type: single nucleotide variant.
Coding change: c.1175C>G on transcript NM_017612.5 (MANE Select); coding-DNA position 1175, C replaced by G.
Protein change: p.Ala392Gly; replaces alanine 392 with glycine.
Molecular consequence: missense variant.
Genome position (GRCh38, 1-based): chr12:122,478,258, G>C on the plus strand (C>G on the coding strand, the complement: ZCCHC8 is on the minus strand). VCF-style: chr12-122478258-G-C. GRCh37 (hg19) VCF-style: chr12-122962805-G-C.
Other names: c.944C>G, p.Ala315Gly (NM_001350935.2); c.878C>G, p.Ala293Gly (NM_001350936.2); c.461C>G, p.Ala154Gly (NM_001350937.2, NM_001350938.2); short protein forms A315G, A392G, A154G, A293G.
Identifiers: ClinVar variation 3644900 (VCV003644900.2).

ClinVar aggregate classification (germline): Uncertain significance (1 of 4 stars; one submission).

Submission:

Labcorp Genetics (formerly Invitae), Labcorp
Classification: Uncertain significance. Last evaluated: 2024-03-13. Review status: criteria provided, single submitter. Criteria: Invitae Variant Classification Sherloc (09022015). Collection method: clinical testing. Allele origin: germline.
Comment: This sequence change replaces alanine, which is neutral and non-polar, with glycine, which is neutral and non-polar, at codon 392 of the ZCCHC8 protein (p.Ala392Gly). This variant is not present in population databases (gnomAD no frequency). This variant has not been reported in the literature in individuals affected with ZCCHC8-related conditions. Advanced modeling of protein sequence and biophysical properties (such as structural, functional, and spatial information, amino acid conservation, physicochemical variation, residue mobility, and thermodynamic stability) performed at Invitae indicates that this missense variant is not expected to disrupt ZCCHC8 protein function with a negative predictive value of 80%. In summary, the available evidence is currently insufficient to determine the role of this variant in disease. Therefore, it has been classified as a Variant of Uncertain Significance.